The following is an entry in ClinVar:

ClinVar aggregate classification (germline): Benign/Likely benign. Review status: criteria provided, multiple submitters, no conflicts (2 of 4 stars). 8 submissions from 8 submitters: Benign (6); Likely benign (2). Last evaluated 2026-02-02.

Conditions:
SHORT syndrome. Also called: LIPODYSTROPHY, PARTIAL, WITH RIEGER ANOMALY AND SHORT STATURE; PIK3R1-Related SHORT Syndrome; SHORT STATURE, HYPEREXTENSIBILITY, HERNIA, OCULAR DEPRESSION, RIEGER ANOMALY, AND TEETHING DELAY. Identifiers: Orphanet 3163, MedGen C0878684, MONDO:0010026, OMIM 269880.
Agammaglobulinemia 7, autosomal recessive (AGM7). Also called: AGAMMAGLOBULINEMIA, AUTOSOMAL RECESSIVE, DUE TO PIK3R1 DEFECT. Identifiers: MedGen C3554689, MONDO:0014083, OMIM 615214.
Immunodeficiency 36 with lymphoproliferation. Also called: ACTIVATED PI3K-DELTA SYNDROME 2; Activated PI3K Delta Syndrome Type 2 (APDS2); Immunodeficiency 36. Identifiers: Orphanet 397596, Orphanet 693681, MedGen C4014934, MONDO:0014453, OMIM 616005.

Allele frequency attached by ClinVar (database versions not stated): 1000 Genomes Project 30x 0.01796; 1000 Genomes Project 0.01937; TOPMed 0.02489; gnomAD 0.02836 and 0.02892; ESP Exome Variant Server 0.02960; gnomAD exomes 0.03518 and 0.03606; ExAC 0.03584.
gnomAD v4.1: 56,974 of 1,613,960 alleles (3.5%); highest among the groups gnomAD compares: South Asian, 5%; 1,199 homozygotes.

Submissions (8):

Labcorp Genetics (formerly Invitae), Labcorp
Classification: Benign for SHORT syndrome; Immunodeficiency 36 with lymphoproliferation; Agammaglobulinemia 7, autosomal recessive. Last evaluated: 2026-02-02. Review status: criteria provided, single submitter. Criteria: Invitae Variant Classification Sherloc (09022015). Collection method: clinical testing. Allele origin: germline.

Women's Health and Genetics/Laboratory Corporation of America, LabCorp
Classification: Benign. Last evaluated: 2026-01-22. Review status: criteria provided, single submitter. Criteria: LabCorp Variant Classification Summary - May 2015. Collection method: clinical testing. Allele origin: germline.

ARUP Laboratories, Molecular Genetics and Genomics, ARUP Laboratories
Classification: Benign. Last evaluated: 2025-05-29. Review status: criteria provided, single submitter. Criteria: ARUP Molecular Germline Variant Investigation Process 2024. Collection method: clinical testing. Allele origin: germline.

Mayo Clinic Laboratories, Mayo Clinic
Classification: Benign. Last evaluated: 2024-05-09. Review status: criteria provided, single submitter. Criteria: ACMG Guidelines, 2015. Collection method: clinical testing. Allele origin: germline. Observed: 67 variant alleles.

GeneDx
Classification: Benign. Last evaluated: 2019-03-03. Review status: criteria provided, single submitter. Criteria: GeneDx Variant Classification Process June 2021. Collection method: clinical testing. Allele origin: germline. Affected: yes.

Laboratory for Molecular Medicine, Mass General Brigham Personalized Medicine
Classification: Benign. Last evaluated: 2016-03-29. Review status: criteria provided, single submitter. Criteria: LMM Criteria. Collection method: clinical testing. Allele origin: germline.
Comment: Variant identified in a genome or exome case(s) and assessed due to predicted null impact of the variant or pathogenic assertions in the literature or databases. Disclaimer: This variant has not undergone full assessment. The following are preliminary notes: Frequency

Genetic Services Laboratory, University of Chicago
Classification: Likely benign. Last evaluated: 2013-10-31. Review status: criteria provided, single submitter. Criteria: ACMG Guidelines, 2007. Collection method: clinical testing. Allele origin: germline. Inheritance: Autosomal dominant inheritance.
Comment: Likely benign based on allele frequency in 1000 Genomes Project or ESP global frequency and its presence in a patient with a rare or unrelated disease phenotype. NOT Sanger confirmed

Breakthrough Genomics
Classification: Likely benign. Review status: criteria provided, single submitter. Criteria: ACMG Guidelines, 2015. Collection method: not provided. Allele origin: germline. Inheritance: Autosomal recessive inheritance. Affected: yes.

NM_181523.3(PIK3R1):c.621T>C (p.Ile207=)

Gene: PIK3R1 (phosphoinositide-3-kinase regulatory subunit 1; plus strand). Cytogenetic location: 5q13.1.
Variant type: single nucleotide variant.
Coding change: c.621T>C on transcript NM_181523.3 (MANE Select); coding-DNA position 621, T replaced by C.
Protein change: p.Ile207=; no amino-acid change (isoleucine 207 retained).
Molecular consequence: synonymous variant.
Genome position (GRCh38, 1-based): chr5:68,279,720, T>C. VCF-style: chr5-68279720-T-C. GRCh37 (hg19) VCF-style: chr5-67575548-T-C.
Other names: p.Ile207=.
Identifiers: ClinVar variation 159724 (VCV000159724.34), dbSNP rs61749601, ClinGen allele CA173190.
Genomic context (GRCh38, chr5:68,279,720, plus strand): 5'-ACGCTATCTCCTGGACTTACCAAATCCTGTCATTCCAGCAGCCGTTTACAGTGAAATGAT[T>C]TCTTTAGCTCCAGGTTTGTTTTTTCTCTTCTGGGAACCTCATTGAACATACATGGAGATG-3'
Protein context (NP_852664.1, residues 197-217): VIPAAVYSEM[Ile207=]SLAPEVQSSE